The following is an entry in ClinVar:

ClinVar aggregate classification (germline): Uncertain significance (1 of 4 stars; one submission).

gnomAD v4.1: 7 of 1,614,144 alleles (0.00043%); highest among the groups gnomAD compares: Non-Finnish European, 0.00051%; no homozygotes.

Submission:

Ambry Genetics
Classification: Uncertain significance. Last evaluated: 2023-02-20. Review status: criteria provided, single submitter. Criteria: Ambry Variant Classification Scheme 2023. Collection method: clinical testing. Allele origin: germline.
Comment: The p.A46P variant (also known as c.136G>C), located in coding exon 1 of the BUB3 gene, results from a G to C substitution at nucleotide position 136. The alanine at codon 46 is replaced by proline, an amino acid with highly similar properties. This amino acid position is conserved. In addition, the in silico prediction for this alteration is inconclusive. Since supporting evidence is limited at this time, the clinical significance of this alteration remains unclear.

NM_004725.4(BUB3):c.136G>C (p.Ala46Pro)

Gene: BUB3 (BUB3 mitotic checkpoint protein; plus strand). Cytogenetic location: 10q26.13.
Variant type: single nucleotide variant.
Coding change: c.136G>C on transcript NM_004725.4 (MANE Select); coding-DNA position 136, G replaced by C.
Protein change: p.Ala46Pro; replaces alanine 46 with proline.
Molecular consequence: missense variant.
Genome position (GRCh38, 1-based): chr10:123,155,053, G>C. VCF-style: chr10-123155053-G-C. GRCh37 (hg19) VCF-style: chr10-124914569-G-C.
Other names: c.136G>C, p.Ala46Pro (NM_001007793.3); short protein forms A46P.
Identifiers: ClinVar variation 2496851 (VCV002496851.2), dbSNP rs868481483, ClinGen allele CA378625014.